The following is an entry in ClinVar:

ClinVar aggregate classification (germline): Uncertain significance (0 of 4 stars; one submission).

Allele frequency attached by ClinVar (database versions not stated): gnomAD exomes below 0.00001; ExAC 0.00001.

Submission:

Richard Lifton Laboratory, Yale University School of Medicine
Classification: Uncertain significance. Review status: no assertion criteria provided. Collection method: not provided. Allele origin: somatic.
Comment: SP140
ClinVar note: Converted during submission from unknown to Uncertain significance.

NM_007237.5(SP140):c.1550A>C (p.Asn517Thr)

Gene: SP140 (SP140 nuclear body protein; plus strand). Cytogenetic location: 2q37.1.
Variant type: single nucleotide variant.
Coding change: c.1550A>C on transcript NM_007237.5 (MANE Select); coding-DNA position 1550, A replaced by C.
Protein change: p.Asn517Thr; replaces asparagine 517 with threonine.
Molecular consequence: missense variant.
Genome position (GRCh38, 1-based): chr2:230,284,397, A>C. VCF-style: chr2-230284397-A-C. GRCh37 (hg19) VCF-style: chr2-231149112-A-C.
Other names: c.1469A>C, p.Asn490Thr (NM_001278451.2); c.1370A>C, p.Asn457Thr (NM_001278452.2); c.1208A>C, p.Asn403Thr (NM_001278453.2); short protein forms N517T, N403T, N457T, N490T.
Identifiers: ClinVar variation 91973 (VCV000091973.2), dbSNP rs386352364, ClinGen allele CA232273.